The following is an entry in ClinVar:

NM_017780.4(CHD7):c.8258T>C (p.Met2753Thr)

Gene: CHD7 (chromodomain helicase DNA binding protein 7; plus strand). Cytogenetic location: 8q12.2.
Variant type: single nucleotide variant.
Coding change: c.8258T>C on transcript NM_017780.4 (MANE Select); coding-DNA position 8258, T replaced by C.
Protein change: p.Met2753Thr; replaces methionine 2753 with threonine.
Molecular consequence: missense variant.
Genome position (GRCh38, 1-based): chr8:60,865,197, T>C. VCF-style: chr8-60865197-T-C. GRCh37 (hg19) VCF-style: chr8-61777756-T-C.
Other names: c.2111T>C, p.Met704Thr (NM_001316690.1); short protein forms M2753T, M704T.
Identifiers: ClinVar variation 3350012 (VCV003350012.1).

ClinVar aggregate classification (germline): Uncertain significance (0 of 4 stars; one submission).

Conditions:
CHD7-related disorder. Also called: CHD7-related condition.

gnomAD v4.1: 12 of 1,611,620 alleles (0.00074%); highest among the groups gnomAD compares: South Asian, 0.013%; no homozygotes.

Submission:

PreventionGenetics, part of Exact Sciences
Classification: Uncertain significance for CHD7-related condition. Last evaluated: 2024-03-07. Review status: no assertion criteria provided. Collection method: clinical testing. Allele origin: germline.
Comment: The CHD7 c.8258T>C variant is predicted to result in the amino acid substitution p.Met2753Thr. To our knowledge, this variant has not been reported in the literature. This variant is reported in 0.013% of alleles in individuals of South Asian descent in gnomAD. Although we suspect that this variant may be benign, at this time, the clinical significance of this variant is uncertain due to the absence of conclusive functional and genetic evidence.